The following is an entry in ClinVar:

NM_000334.4(SCN4A):c.2959G>A (p.Gly987Arg)

Genes: GH-LCR (growth hormone locus control region; plus strand), SCN4A (sodium voltage-gated channel alpha subunit 4; minus strand). Cytogenetic location: 17q23.3.
Variant type: single nucleotide variant.
Coding change: c.2959G>A on transcript NM_000334.4 (MANE Select); coding-DNA position 2959, G replaced by A.
Protein change: p.Gly987Arg; replaces glycine 987 with arginine.
Molecular consequence: missense variant.
Genome position (GRCh38, 1-based): chr17:63,949,423, C>T on the plus strand (G>A on the coding strand, the complement: SCN4A is on the minus strand). VCF-style: chr17-63949423-C-T. GRCh37 (hg19) VCF-style: chr17-62026783-C-T.
Other names: short protein forms G987R.
Identifiers: ClinVar variation 1719811 (VCV001719811.6), dbSNP rs1908834254, ClinGen allele CA400622214.
Genomic context (GRCh38, chr17:63,949,423, plus strand): 5'-ACACCCAGATGAGGTGAGGGGTGCCCTCACCCTCAGTGAAGCACTCCTCAGGCTGCTCCC[C>T]CTCGGGGTTCTCCTCTGCCTGCTCCTCAGGGTCCTCCTCGGGGGGCTTGTAGTCAGCTGT-3'
Protein context (NP_000325.4, residues 977-997): PEEQAEENPE[Gly987Arg]EQPEECFTEA

ClinVar aggregate classification (germline): Uncertain significance (1 of 4 stars; one submission).

Conditions:
Hyperkalemic periodic paralysis. Also called: Familial hyperkalemic periodic paralysis; Gamstorp disease. Identifiers: Orphanet 682, MedGen C0238357, MONDO:0008224, OMIM 170500, HP:0007215.

Allele frequency attached by ClinVar (database versions not stated): gnomAD exomes below 0.00001.
gnomAD v4.1: 2 of 1,595,022 alleles (0.00013%); highest among the groups gnomAD compares: East Asian, 0.0045%; no homozygotes.

Submission:

Labcorp Genetics (formerly Invitae), Labcorp
Classification: Uncertain significance for Hyperkalemic periodic paralysis. Last evaluated: 2025-06-16. Review status: criteria provided, single submitter. Criteria: Invitae Variant Classification Sherloc (09022015). Collection method: clinical testing. Allele origin: germline.
Comment: This sequence change replaces glycine, which is neutral and non-polar, with arginine, which is basic and polar, at codon 987 of the SCN4A protein (p.Gly987Arg). This variant is not present in population databases (gnomAD no frequency). This variant has not been reported in the literature in individuals affected with SCN4A-related conditions. ClinVar contains an entry for this variant (Variation ID: 1719811). Invitae Evidence Modeling of protein sequence and biophysical properties (such as structural, functional, and spatial information, amino acid conservation, physicochemical variation, residue mobility, and thermodynamic stability) indicates that this missense variant is not expected to disrupt SCN4A protein function with a negative predictive value of 95%. In summary, the available evidence is currently insufficient to determine the role of this variant in disease. Therefore, it has been classified as a Variant of Uncertain Significance.